The following is an entry in ClinVar:

NM_000322.5(PRPH2):c.520T>A (p.Trp174Arg)

Gene: PRPH2 (peripherin 2; minus strand). Cytogenetic location: 6p21.1.
Variant type: single nucleotide variant.
Coding change: c.520T>A on transcript NM_000322.5 (MANE Select); coding-DNA position 520, T replaced by A.
Protein change: p.Trp174Arg; replaces tryptophan 174 with arginine.
Molecular consequence: missense variant.
Genome position (GRCh38, 1-based): chr6:42,721,815, A>T on the plus strand (T>A on the coding strand, the complement: PRPH2 is on the minus strand). VCF-style: chr6-42721815-A-T. GRCh37 (hg19) VCF-style: chr6-42689553-A-T.
Other names: short protein forms W174R.
Identifiers: ClinVar variation 1175218 (VCV001175218.3), dbSNP rs1395223954, ClinGen allele CA364137379.

ClinVar aggregate classification (germline): Pathogenic. Review status: criteria provided, single submitter (1 of 4 stars). 2 submissions from 2 submitters: Pathogenic (1). 1 of the submissions does not count toward it. Last evaluated 2024-03-07.

Conditions:
PRPH2-related disorder. Also called: PRPH2-related disorders; PRPH2-related condition. Identifiers: MedGen CN239395.

Allele frequency attached by ClinVar (database versions not stated): gnomAD exomes below 0.00001.

Submissions (2):

Labcorp Genetics (formerly Invitae), Labcorp
Classification: Pathogenic for PRPH2-related disorder. Last evaluated: 2024-03-07. Review status: criteria provided, single submitter. Criteria: Invitae Variant Classification Sherloc (09022015). Collection method: clinical testing. Allele origin: germline.
Comment: This sequence change replaces tryptophan, which is neutral and slightly polar, with arginine, which is basic and polar, at codon 174 of the PRPH2 protein (p.Trp174Arg). This variant is present in population databases (no rsID available, gnomAD 0.0009%). This missense change has been observed in individuals with autosomal dominant PRPH2-related conditions (PMID: 34411390). ClinVar contains an entry for this variant (Variation ID: 1175218). Advanced modeling of protein sequence and biophysical properties (such as structural, functional, and spatial information, amino acid conservation, physicochemical variation, residue mobility, and thermodynamic stability) performed at Invitae indicates that this missense variant is expected to disrupt PRPH2 protein function with a positive predictive value of 95%. This variant disrupts the p.Trp174 amino acid residue in PRPH2. Other variant(s) that disrupt this residue have been observed in individuals with PRPH2-related conditions (PMID: 32531846), which suggests that this may be a clinically significant amino acid residue. For these reasons, this variant has been classified as Pathogenic.

Leiden Open Variation Database
Classification: Likely pathogenic. Last evaluated: 2021-04-06. Review status: no assertion criteria provided. Collection method: curation. Allele origin: germline. Affected: yes. Not counted in ClinVar's aggregate classification.
Comment: Curator: Global Variome, with Curator vacancy. Submitter to LOVD: Manon Peeters.

Literature cited by the submitters: PubMed 34411390 (cited by Labcorp Genetics (formerly Invitae), Labcorp); PubMed 32531846 (cited by Labcorp Genetics (formerly Invitae), Labcorp).